The following is an entry in ClinVar:

NC_000002.11:g.(?_55910900)_(55920958_?)del

Gene: PNPT1 (polyribonucleotide nucleotidyltransferase 1; minus strand). Cytogenetic location: 2p16.1.
Variant type: Deletion.
Identifiers: ClinVar variation 1460256 (VCV001460256.5).

ClinVar aggregate classification (germline): Pathogenic (1 of 4 stars; one submission).

Submission:

Labcorp Genetics (formerly Invitae), Labcorp
Classification: Pathogenic. Last evaluated: 2022-07-06. Review status: criteria provided, single submitter. Criteria: Invitae Variant Classification Sherloc (09022015). Collection method: clinical testing. Allele origin: germline.
Comment: This variant has not been reported in the literature in individuals affected with PNPT1-related conditions. For these reasons, this variant has been classified as Pathogenic. This variant is a gross deletion of the genomic region encompassing exon(s) 1-5 of the PNPT1 gene, which includes the initiator codon. This deletion extends beyond the assayed region for this gene and therefore may encompass additional genes. It is expected to result in an absent or disrupted protein product. Loss-of-function variants in PNPT1 are known to be pathogenic (PMID: 28594066, 30244537).

Literature cited by the submitters: PubMed 28594066; PubMed 30244537.